The following is an entry in ClinVar:

NM_001025356.3(ANO6):c.71-9094T>A

Gene: ANO6 (anoctamin 6; plus strand). Cytogenetic location: 12q12.
Variant type: single nucleotide variant.
Coding change: c.71-9094T>A on transcript NM_001025356.3 (MANE Select); 9094 bases into the intron before coding-DNA position 71, T replaced by A.
Molecular consequence: intron variant. On other transcripts: missense variant (1), initiator codon variant (1).
Genome position (GRCh38, 1-based): chr12:45,292,920, T>A. VCF-style: chr12-45292920-T-A. GRCh37 (hg19) VCF-style: chr12-45686703-T-A.
Other names: c.2T>A, p.Met1Lys (NM_001142678.2); c.71-9094T>A (NM_001142679.2); c.134-9094T>A (NM_001204803.2); c.2T>A (NM_001142678.1); short protein forms M1K.
Identifiers: ClinVar variation 4916239 (VCV004916239.2), dbSNP rs12822001.

ClinVar aggregate classification (germline): Likely benign. Review status: criteria provided, multiple submitters, no conflicts (2 of 4 stars). 2 submissions from 2 submitters: Likely benign (2). Last evaluated 2025-08-20.

Conditions:
ANO6-related disorder. Also called: ANO6-related condition.

Submissions (2):

PreventionGenetics, part of Exact Sciences
Classification: Likely benign for ANO6-related condition. Last evaluated: 2025-08-20. Review status: criteria provided, single submitter. Criteria: ACMG Guidelines, 2015. Collection method: clinical testing. Allele origin: germline.
Comment: This variant is classified as likely benign based on ACMG/AMP sequence variant interpretation guidelines (Richards et al. 2015 PMID: 25741868, with internal and published modifications).

Blueprint Genetics
Classification: Likely benign. Last evaluated: 2024-11-26. Review status: criteria provided, single submitter. Criteria: ACMG Guidelines, 2015. Collection method: clinical testing. Allele origin: germline.